The following is an entry in ClinVar:

ClinVar aggregate classification (germline): Pathogenic. Review status: criteria provided, multiple submitters, no conflicts (2 of 4 stars). 2 submissions from 2 submitters: Pathogenic (2). Last evaluated 2025-01-09.

Conditions:
Thalassemia. Identifiers: MedGen C0039730, MONDO:0000984.

Submissions (2):

Women's Health and Genetics/Laboratory Corporation of America, LabCorp
Classification: Pathogenic for Thalassemia. Last evaluated: 2025-01-09. Review status: criteria provided, single submitter. Criteria: LabCorp Variant Classification Summary - May 2015. Collection method: clinical testing. Allele origin: germline.
Comment: Variant summary: HBA2 c.130T>G (p.Phe44Val), also known as Hb Toreno, results in a non-conservative amino acid change in the encoded protein sequence. Five of five in-silico tools predict a damaging effect of the variant on protein function. The variant was absent in 114748 control chromosomes (gnomAD). c.130T>G has been reported in the literature as an unstable hemoglobin variant in multiple heterozygous individuals affected with Hemolytic Anemia, with some cases described as suffering hemolytic crises following treatment with sulfonamides (e.g. Beretta_1968, Prato_1970, Sansone_1976, Stratta_1982, Castagnola_1988). These data indicate that the variant is very likely to be associated with disease. Other missense variants affecting this amino acid (p.Phe44Ile, p.Phe44Leu) have also been found in association with Hemolytic Anemia (PMID: 19815833, 31493379), supporting the clinical relevance of this residue. At least one publication reports experimental evidence evaluating an impact on protein function, finding that the variant results in lower oxygen affinity (Ricco_1985). The following publications have been ascertained in the context of this evaluation (PMID: 5643522, 5453914, 3401329, 4041267, 826080, 7177688). ClinVar contains an entry for this variant (Variation ID: 2428504). Based on the evidence outlined above, the variant was classified as pathogenic.

ARUP Laboratories, Molecular Genetics and Genomics, ARUP Laboratories
Classification: Pathogenic. Last evaluated: 2022-11-15. Review status: criteria provided, single submitter. Criteria: ARUP Molecular Germline Variant Investigation Process 2021. Collection method: clinical testing. Allele origin: germline.
Comment: The Hb Torino variant (HBA2; c.130T>G; p.Phe44Val, also known as Phe43Val when numbered from the mature protein, rs281864829, HbVar ID: 55) is an unstable variant reported in the heterozygous state in the literature in multiple individuals affected with hemolytic anemia (see HbVar, Beretta 1968, Prato 1970). This variant is absent from the Genome Aggregation Database, indicating it is not a common polymorphism. Another variant at this codon (Hb Vanvitelli; p.Phe44Leu) has been reported in the compound heterozygous state in an individual with hemolytic anemia and is considered pathogenic (Casale 2019). The phenylalanine at codon 44 is highly conserved and computational analyses predict that this variant is deleterious (REVEL:0.95). Based on available information, this variant is considered to be pathogenic. References: Link to HbVar database: Beretta A et al. Haemoglobin Torino--alpha-43 (CD1) phenylalanine replaced by valine. Nature. 1968 Mar 16;217(5133):1016-8. PMID: 5643522. Casale M et al. Hb Vanvitelli: A new unstable a-globin chain variant causes undiagnosed chronic haemolytic anaemia when co-inherited with deletion?-?a3.7. Clin Biochem. 2019 Dec;74:80-85. PMID: 31493379. Prato V et al. Haemolytic anaemia due to haemoglobin Torino. Br J Haematol. 1970 Jul;19(1):105-15. PMID: 5453914.

Literature cited by the submitters: PubMed 3401329 (cited by Women's Health and Genetics/Laboratory Corporation of America, LabCorp); PubMed 4041267 (cited by Women's Health and Genetics/Laboratory Corporation of America, LabCorp); PubMed 7177688 (cited by Women's Health and Genetics/Laboratory Corporation of America, LabCorp); PubMed 826080 (cited by Women's Health and Genetics/Laboratory Corporation of America, LabCorp); PubMed 5453914 (cited by Women's Health and Genetics/Laboratory Corporation of America, LabCorp); PubMed 5643522 (cited by Women's Health and Genetics/Laboratory Corporation of America, LabCorp).

NM_000517.6(HBA2):c.130T>G (p.Phe44Val)

Genes: HBA2 (hemoglobin subunit alpha 2; plus strand), LOC106804612 (hemoglobin subunit alpha 2 recombination region; plus strand). Cytogenetic location: 16p13.3.
Variant type: single nucleotide variant.
Coding change: c.130T>G on transcript NM_000517.6 (MANE Select); coding-DNA position 130, T replaced by G.
Protein change: p.Phe44Val; replaces phenylalanine 44 with valine.
Molecular consequence: missense variant.
Genome position (GRCh38, 1-based): chr16:173,159, T>G. VCF-style: chr16-173159-T-G. GRCh37 (hg19) VCF-style: chr16-223158-T-G.
Other names: short protein forms F44V.
Identifiers: ClinVar variation 2428504 (VCV002428504.5), dbSNP rs281864829, ClinGen allele CA276414604.